The following is an entry in ClinVar:

NM_014956.5(CEP164):c.13C>A (p.Pro5Thr)

Gene: CEP164 (centrosomal protein 164; plus strand). Cytogenetic location: 11q23.3.
Variant type: single nucleotide variant.
Coding change: c.13C>A on transcript NM_014956.5 (MANE Select); coding-DNA position 13, C replaced by A.
Protein change: p.Pro5Thr; replaces proline 5 with threonine.
Molecular consequence: missense variant.
Genome position (GRCh38, 1-based): chr11:117,338,599, C>A. VCF-style: chr11-117338599-C-A. GRCh37 (hg19) VCF-style: chr11-117209315-C-A.
Other names: c.13C>A, p.Pro5Thr (NM_001271933.2); c.13C>A (NM_014956.4); short protein forms P5T.
Identifiers: ClinVar variation 1060292 (VCV001060292.12), dbSNP rs749869599, ClinGen allele CA6294295.

ClinVar aggregate classification (germline): Uncertain significance. Review status: criteria provided, multiple submitters, no conflicts (2 of 4 stars). 4 submissions from 4 submitters: Uncertain significance (4). Last evaluated 2026-03-03.

Conditions:
CEP164-related disorder. Also called: CEP164-related condition.
Inborn genetic diseases. Identifiers: MedGen C0950123, MeSH D030342.
Nephronophthisis 15 (NPHP15). Identifiers: Orphanet 3156, MedGen C3541853, MONDO:0013917, OMIM 614845.

Allele frequency attached by ClinVar (database versions not stated): gnomAD exomes below 0.00001 and 0.00002; ExAC 0.00001; gnomAD 0.00001; TOPMed 0.00002.
gnomAD v4.1: 5 of 1,613,890 alleles (0.00031%); highest among the groups gnomAD compares: East Asian, 0.011%; no homozygotes.

Submissions (4):

PreventionGenetics, part of Exact Sciences
Classification: Uncertain significance for CEP164-related condition. Last evaluated: 2026-03-03. Review status: criteria provided, single submitter. Criteria: ACMG Guidelines, 2015. Collection method: clinical testing. Allele origin: germline.
Comment: The CEP164 c.13C>A variant is predicted to result in the amino acid substitution p.Pro5Thr. To our knowledge, this variant has not been reported in the literature. This variant is reported in 0.022% of alleles in individuals of East Asian descent in gnomAD. At this time, the clinical significance of this variant is uncertain due to the absence of conclusive functional and genetic evidence.

Ambry Genetics
Classification: Uncertain significance for Inborn genetic diseases. Last evaluated: 2023-12-12. Review status: criteria provided, single submitter. Criteria: Ambry Variant Classification Scheme 2023. Collection method: clinical testing. Allele origin: germline.

Blueprint Genetics
Classification: Uncertain significance. Last evaluated: 2023-10-12. Review status: criteria provided, single submitter. Criteria: ACMG Guidelines, 2015. Collection method: clinical testing. Allele origin: germline.

Labcorp Genetics (formerly Invitae), Labcorp
Classification: Uncertain significance for Nephronophthisis 15. Last evaluated: 2022-01-18. Review status: criteria provided, single submitter. Criteria: Invitae Variant Classification Sherloc (09022015). Collection method: clinical testing. Allele origin: germline.
Comment: In summary, the available evidence is currently insufficient to determine the role of this variant in disease. Therefore, it has been classified as a Variant of Uncertain Significance. Algorithms developed to predict the effect of missense changes on protein structure and function (SIFT, PolyPhen-2, Align-GVGD) all suggest that this variant is likely to be disruptive. ClinVar contains an entry for this variant (Variation ID: 1060292). This variant has not been reported in the literature in individuals affected with CEP164-related conditions. This variant is present in population databases (rs749869599, gnomAD 0.02%). This sequence change replaces proline, which is neutral and non-polar, with threonine, which is neutral and polar, at codon 5 of the CEP164 protein (p.Pro5Thr).